The following is an entry in ClinVar:

NM_003060.4(SLC22A5):c.52C>G (p.Gln18Glu)

Gene: SLC22A5 (solute carrier family 22 member 5; plus strand). Cytogenetic location: 5q31.1.
Variant type: single nucleotide variant.
Coding change: c.52C>G on transcript NM_003060.4 (MANE Select); coding-DNA position 52, C replaced by G.
Protein change: p.Gln18Glu; replaces glutamine 18 with glutamic acid.
Molecular consequence: missense variant.
Genome position (GRCh38, 1-based): chr5:132,370,024, C>G. VCF-style: chr5-132370024-C-G. GRCh37 (hg19) VCF-style: chr5-131705716-C-G.
Other names: c.52C>G, p.Gln18Glu (NM_001308122.2); short protein forms Q18E.
Identifiers: ClinVar variation 1432730 (VCV001432730.6), dbSNP rs2126764773, ClinGen allele CA360802280.

ClinVar aggregate classification (germline): Uncertain significance. Review status: criteria provided, multiple submitters, no conflicts (2 of 4 stars). 2 submissions from 2 submitters: Uncertain significance (2). Last evaluated 2024-07-27.

Conditions:
Renal carnitine transport defect (CDSP). Also called: CARNITINE DEFICIENCY, SYSTEMIC, DUE TO DEFECT IN RENAL REABSORPTION OF CARNITINE; CARNITINE TRANSPORTER, PLASMA-MEMBRANE, DEFICIENCY OF; CARNITINE UPTAKE DEFECT; Carnitine transporter deficiency; Carnitine Deficiency, Systemic; Systemic primary carnitine deficiency. Identifiers: Orphanet 158, MedGen C0342788, MONDO:0008919, OMIM 212140.

Submissions (2):

Women's Health and Genetics/Laboratory Corporation of America, LabCorp
Classification: Uncertain significance. Last evaluated: 2024-07-27. Review status: criteria provided, single submitter. Criteria: LabCorp Variant Classification Summary - May 2015. Collection method: clinical testing. Allele origin: germline.

Labcorp Genetics (formerly Invitae), Labcorp
Classification: Uncertain significance for Renal carnitine transport defect. Last evaluated: 2021-08-27. Review status: criteria provided, single submitter. Criteria: Invitae Variant Classification Sherloc (09022015). Collection method: clinical testing. Allele origin: germline.
Comment: This sequence change replaces glutamine with glutamic acid at codon 18 of the SLC22A5 protein (p.Gln18Glu). The glutamine residue is highly conserved and there is a small physicochemical difference between glutamine and glutamic acid. This variant is not present in population databases (ExAC no frequency). This variant has not been reported in the literature in individuals affected with SLC22A5-related conditions. Algorithms developed to predict the effect of missense changes on protein structure and function (SIFT, PolyPhen-2, Align-GVGD) all suggest that this variant is likely to be disruptive. In summary, the available evidence is currently insufficient to determine the role of this variant in disease. Therefore, it has been classified as a Variant of Uncertain Significance.